The following is an entry in ClinVar:

ClinVar aggregate classification (germline): Uncertain significance (1 of 4 stars; one submission).

Conditions:
Intellectual disability, autosomal recessive 53 (NEDHSCA). Also called: GLYCOSYLPHOSPHATIDYLINOSITOL BIOSYNTHESIS DEFECT 13; Mental retardation, autosomal recessive 53; NEURODEVELOPMENTAL DISORDER WITH OR WITHOUT HYPOTONIA, SEIZURES, AND CEREBELLAR ATROPHY. Identifiers: Orphanet 488635, MedGen C4310794, MONDO:0014832, OMIM 616917.

gnomAD v4.1: 29 of 1,612,382 alleles (0.0018%); highest among the groups gnomAD compares: Non-Finnish European, 0.0025%; no homozygotes.

Submission:

Labcorp Genetics (formerly Invitae), Labcorp
Classification: Uncertain significance for Intellectual disability, autosomal recessive 53. Last evaluated: 2022-03-03. Review status: criteria provided, single submitter. Criteria: Invitae Variant Classification Sherloc (09022015). Collection method: clinical testing. Allele origin: germline.
Comment: In summary, the available evidence is currently insufficient to determine the role of this variant in disease. Therefore, it has been classified as a Variant of Uncertain Significance. Algorithms developed to predict the effect of missense changes on protein structure and function output the following: SIFT: "Tolerated"; PolyPhen-2: "Benign"; Align-GVGD: "Class C0". The leucine amino acid residue is found in multiple mammalian species, which suggests that this missense change does not adversely affect protein function. This variant has not been reported in the literature in individuals affected with PIGG-related conditions. This variant is present in population databases (no rsID available, gnomAD 0.002%). This sequence change replaces valine, which is neutral and non-polar, with leucine, which is neutral and non-polar, at codon 441 of the PIGG protein (p.Val441Leu).

NM_001127178.3(PIGG):c.1321G>C (p.Val441Leu)

Gene: PIGG (phosphatidylinositol glycan anchor biosynthesis class G (EMM blood group); plus strand). Cytogenetic location: 4p16.3.
Variant type: single nucleotide variant.
Coding change: c.1321G>C on transcript NM_001127178.3 (MANE Select); coding-DNA position 1321, G replaced by C.
Protein change: p.Val441Leu; replaces valine 441 with leucine.
Molecular consequence: missense variant. On other transcripts: non-coding transcript variant (6), intron variant (7).
Genome position (GRCh38, 1-based): chr4:521,262, G>C. VCF-style: chr4-521262-G-C. GRCh37 (hg19) VCF-style: chr4-515051-G-C.
Other names: c.1054G>C, p.Val352Leu (NM_001289051.2, NM_001289053.2, NM_001345986.2); c.922G>C, p.Val308Leu (NM_001289052.2); c.292G>C, p.Val98Leu (NM_001345988.2); c.1321G>C, p.Val441Leu (NM_001345989.2); c.234+13G>C (NM_001345994.2); c.1041+13G>C (NM_001345987.2); c.-202+35G>C (NM_001345991.2, NM_001345990.2); c.1308+13G>C (NM_017733.5); and 2 more; short protein forms V98L, V352L, V441L, V308L.
Identifiers: ClinVar variation 1500558 (VCV001500558.6), dbSNP rs202037650, ClinGen allele CA355904260.